The following is an entry in ClinVar:

ClinVar aggregate classification (germline): Pathogenic (1 of 4 stars; one submission).

Submission:

Labcorp Genetics (formerly Invitae), Labcorp
Classification: Pathogenic. Last evaluated: 2023-07-05. Review status: criteria provided, single submitter. Criteria: Invitae Variant Classification Sherloc (09022015). Collection method: clinical testing. Allele origin: germline.
Comment: This sequence change creates a premature translational stop signal (p.Gln81Alafs*33) in the NR2F1 gene. It is expected to result in an absent or disrupted protein product. Loss-of-function variants in NR2F1 are known to be pathogenic (PMID: 14738874, 24462372). This variant is not present in population databases (gnomAD no frequency). This variant has not been reported in the literature in individuals affected with NR2F1-related conditions. For these reasons, this variant has been classified as Pathogenic.

Literature cited by the submitters: PubMed 14738874; PubMed 24462372.

NM_005654.6(NR2F1):c.240_255del (p.Gln81fs)

Genes: NR2F1 (nuclear receptor subfamily 2 group F member 1; plus strand), NR2F1-AS1 (NR2F1 regulatory antisense RNA 1; minus strand). Cytogenetic location: 5q15.
Variant type: Deletion.
Coding change: c.240_255del on transcript NM_005654.6 (MANE Select); coding-DNA positions 240 to 255, 16 bases deleted (CCAGCAGCACATCGAG).
Protein change: p.Gln81fs; shifts the reading frame from glutamine 81.
Molecular consequence: frameshift variant.
Genome position (GRCh38, 1-based): chr5:93,585,263-93,585,278, CCAGCAGCACATCGAG deleted; deleting any 16 consecutive bases within chr5:93,585,260-93,585,278 gives the same sequence; the c. name uses the placement nearest the transcript's 3' end. VCF-style (leftmost placement, unchanged base first): chr5-93585259-AGAGCCAGCAGCACATC-A. GRCh37 (hg19) VCF-style: chr5-92920965-AGAGCCAGCAGCACATC-A.
Other names: short protein forms Q81fs.
Identifiers: ClinVar variation 2735897 (VCV002735897.3), ClinGen allele CA2697546266.